The following is an entry in ClinVar:

ClinVar aggregate classification (germline): Likely benign (1 of 4 stars; one submission).

Submission:

CeGaT Center for Human Genetics Tuebingen
Classification: Likely benign. Last evaluated: 2024-04-01. Review status: criteria provided, single submitter. Criteria: CeGaT Center For Human Genetics Tuebingen Variant Classification Criteria Version 2. Collection method: clinical testing. Allele origin: germline. Affected: yes. Observed: 1 variant allele.
Comment: MUC4: BP4, BP7

NM_018406.7(MUC4):c.11052G>A (p.Thr3684=)

Gene: MUC4 (mucin 4, cell surface associated). Cytogenetic location: 3q29.
Variant type: single nucleotide variant.
Coding change: c.11052G>A on transcript NM_018406.7 (MANE Select); coding-DNA position 11052, G replaced by A.
Protein change: p.Thr3684=; no amino-acid change (threonine 3684 retained).
Molecular consequence: synonymous variant. On other transcripts: genic upstream transcript variant (2).
Genome position (GRCh38, 1-based): chr3:195,780,528, C>T on the plus strand (G>A on the coding strand, the complement: MUC4 is on the minus strand). VCF-style: chr3-195780528-C-T. GRCh37 (hg19) VCF-style: chr3-195507399-C-T.
Other names: c.83-6223G>A (NM_138297.5); c.83-2073G>A (NM_004532.6); c.15870C>A, p.Thr5290= (NM_001322468.1).
Identifiers: ClinVar variation 3234198 (VCV003234198.20), dbSNP rs113115922, ClinGen allele CA2769744.